The following is an entry in ClinVar:

ClinVar aggregate classification (germline): Likely pathogenic (1 of 4 stars; one submission).

Conditions:
Autosomal recessive limb-girdle muscular dystrophy type 2C (LGMDR5). Also called: MUSCULAR DYSTROPHY, DUCHENNE-LIKE; MUSCULAR DYSTROPHY, LIMB-GIRDLE, AUTOSOMAL RECESSIVE 5. Identifiers: Orphanet 353, MedGen C0410173, MONDO:0009677, OMIM 253700. Disease mechanism: Affects gamma-sarcoglycan and also disrupts the integrity of the entire sarcoglycan complex..

Allele frequency attached by ClinVar (database versions not stated): gnomAD exomes below 0.00001.
gnomAD v4.1: 1 of 1,598,432 alleles (0.000063%); highest among the groups gnomAD compares: Non-Finnish European, 0.000086%; no homozygotes.

Submission:

Labcorp Genetics (formerly Invitae), Labcorp
Classification: Likely pathogenic for Autosomal recessive limb-girdle muscular dystrophy type 2C. Last evaluated: 2023-07-01. Review status: criteria provided, single submitter. Criteria: Invitae Variant Classification Sherloc (09022015). Collection method: clinical testing. Allele origin: germline.
Comment: In summary, the currently available evidence indicates that the variant is pathogenic, but additional data are needed to prove that conclusively. Therefore, this variant has been classified as Likely Pathogenic. Algorithms developed to predict the effect of sequence changes on RNA splicing suggest that this variant may disrupt the consensus splice site. Disruption of this splice site has been observed in individual(s) with sarcoglycanopathy (PMID: 32875335). This variant is not present in population databases (gnomAD no frequency). This sequence change affects an acceptor splice site in intron 2 of the SGCG gene. It is expected to disrupt RNA splicing. Variants that disrupt the donor or acceptor splice site typically lead to a loss of protein function (PMID: 16199547), and loss-of-function variants in SGCG are known to be pathogenic (PMID: 18285821).

Literature cited by the submitters: PubMed 32875335; PubMed 16199547; PubMed 18285821.

NM_000231.3(SGCG):c.196-1G>A

Gene: SGCG (sarcoglycan gamma; plus strand). Cytogenetic location: 13q12.12.
Variant type: single nucleotide variant.
Coding change: c.196-1G>A on transcript NM_000231.3 (MANE Select); the canonical splice acceptor site of the intron before coding-DNA position 196, G replaced by A.
Molecular consequence: splice acceptor variant.
Genome position (GRCh38, 1-based): chr13:23,234,610, G>A. VCF-style: chr13-23234610-G-A. GRCh37 (hg19) VCF-style: chr13-23808749-G-A.
Other names: c.250-1G>A (NM_001378244.1); c.196-1G>A (NM_001378245.1, NM_001378246.1).
Identifiers: ClinVar variation 2780261 (VCV002780261.3), dbSNP rs2541899899, ClinGen allele CA387506354.